The following is an entry in ClinVar:

NM_016239.4(MYO15A):c.8297G>C (p.Arg2766Pro)

Gene: MYO15A (myosin XVA; plus strand). Cytogenetic location: 17p11.2.
Variant type: single nucleotide variant.
Coding change: c.8297G>C on transcript NM_016239.4 (MANE Select); coding-DNA position 8297, G replaced by C.
Protein change: p.Arg2766Pro; replaces arginine 2766 with proline.
Molecular consequence: missense variant.
Genome position (GRCh38, 1-based): chr17:18,155,182, G>C. VCF-style: chr17-18155182-G-C. GRCh37 (hg19) VCF-style: chr17-18058496-G-C.
Other names: short protein forms R2766P.
Identifiers: ClinVar variation 3390480 (VCV003390480.1).

ClinVar aggregate classification (germline): Uncertain significance (1 of 4 stars; one submission).

Submission:

GeneDx
Classification: Uncertain significance. Last evaluated: 2024-06-12. Review status: criteria provided, single submitter. Criteria: GeneDx Variant Classification Process June 2021. Collection method: clinical testing. Allele origin: germline. Affected: yes.
Comment: Not observed at significant frequency in large population cohorts (gnomAD); In silico analysis supports that this missense variant has a deleterious effect on protein structure/function; Has not been previously published as pathogenic or benign to our knowledge